The following is an entry in ClinVar:

ClinVar aggregate classification (germline): Pathogenic/Likely pathogenic. Review status: criteria provided, multiple submitters, no conflicts (2 of 4 stars). 4 submissions from 4 submitters: Pathogenic (2); Likely pathogenic (2). Last evaluated 2026-03-02.

Conditions:
Epidermolysis bullosa simplex 4, localized or generalized intermediate, autosomal recessive. Also called: Epidermolysis bullosa, nonspecific, autosomal recessive. Identifiers: Orphanet 412189, MedGen C3554367, MONDO:0014014, OMIM 615028.
EXPH5-related disorder. Also called: EXPH5-related condition.

Allele frequency attached by ClinVar (database versions not stated): ExAC 0.00006; gnomAD exomes 0.00008 and 0.00005; gnomAD 0.00003 and 0.00004; TOPMed 0.00004.

Submissions (4):

PreventionGenetics, part of Exact Sciences
Classification: Likely pathogenic for EXPH5-related condition. Last evaluated: 2026-03-02. Review status: criteria provided, single submitter. Criteria: ACMG Guidelines, 2015. Collection method: clinical testing. Allele origin: germline.
Comment: The EXPH5 c.939delG variant is predicted to result in a frameshift and premature protein termination (p.Asn314Ilefs*76). To our knowledge, this variant has not been reported in the literature. This variant is reported in 0.043% of alleles in individuals of Latino descent in gnomAD. Frameshift variants in EXPH5 are expected to be pathogenic. This variant is interpreted as likely pathogenic.

GeneDx
Classification: Likely pathogenic. Last evaluated: 2024-12-17. Review status: criteria provided, single submitter. Criteria: GeneDx Variant Classification Process June 2021. Collection method: clinical testing. Allele origin: germline. Affected: yes.
Comment: Has not been previously published as pathogenic or benign to our knowledge; Frameshift variant predicted to result in abnormal protein length as the last 1676 amino acid(s) are replaced with 75 different amino acid(s), and other similar variants have been reported in HGMD

Clinical Genetics Laboratory, Skane University Hospital Lund
Classification: Pathogenic. Last evaluated: 2023-11-16. Review status: criteria provided, single submitter. Criteria: ACMG Guidelines, 2015. Collection method: clinical testing. Allele origin: germline. Affected: yes.

Revvity Omics, Revvity
Classification: Pathogenic for Epidermolysis bullosa simplex 4, localized or generalized intermediate, autosomal recessive. Last evaluated: 2019-06-25. Review status: criteria provided, single submitter. Criteria: ACMG Guidelines, 2015. Collection method: clinical testing. Allele origin: germline.

NM_015065.3(EXPH5):c.939del (p.Asn314fs)

Gene: EXPH5 (exophilin 5; minus strand). Cytogenetic location: 11q22.3.
Variant type: Deletion.
Coding change: c.939del on transcript NM_015065.3 (MANE Select); coding-DNA position 939, one base deleted (G; older notation c.939delG).
Protein change: p.Asn314fs; shifts the reading frame from asparagine 314.
Molecular consequence: frameshift variant.
Genome position (GRCh38, 1-based): chr11:108,514,568, C deleted on the plus strand (G on the coding strand, the reverse complement: EXPH5 is on the minus strand). VCF-style (leftmost placement, unchanged base first): chr11-108514567-TC-T. GRCh37 (hg19) VCF-style: chr11-108385294-TC-T.
Other names: c.939delG (NM_015065.2); c.711del, p.Asn238fs (NM_001144763.2); c.471del, p.Asn158fs (NM_001144764.2); c.375del, p.Asn126fs (NM_001144765.2); c.918del, p.Asn307fs (NM_001308019.2); short protein forms N126fs, N158fs, N238fs, N307fs, N314fs.
Identifiers: ClinVar variation 1322843 (VCV001322843.7), dbSNP rs747159785, ClinGen allele CA6268135.